The following is an entry in ClinVar:

NM_080732.4(EGLN2):c.463A>T (p.Ser155Cys)

Genes: EGLN2 (egl-9 family hypoxia inducible factor 2; plus strand), RAB4B-EGLN2 (RAB4B-EGLN2 readthrough (NMD candidate); plus strand). Cytogenetic location: 19q13.2.
Variant type: single nucleotide variant.
Coding change: c.463A>T on transcript NM_080732.4 (MANE Select); coding-DNA position 463, A replaced by T.
Protein change: p.Ser155Cys; replaces serine 155 with cysteine.
Molecular consequence: missense variant. On other transcripts: non-coding transcript variant (1).
Genome position (GRCh38, 1-based): chr19:40,801,035, A>T. VCF-style: chr19-40801035-A-T. GRCh37 (hg19) VCF-style: chr19-41306940-A-T.
Other names: c.463A>T, p.Ser155Cys (NM_053046.4); short protein forms S155C.
Identifiers: ClinVar variation 1742082 (VCV001742082.2), dbSNP rs1167258961, ClinGen allele CA405955312.

ClinVar aggregate classification (germline): Uncertain significance (1 of 4 stars; one submission).

Allele frequency attached by ClinVar (database versions not stated): gnomAD 0.00001; TOPMed 0.00002.
gnomAD v4.1: 3 of 1,613,014 alleles (0.00019%); highest among the groups gnomAD compares: African/African-American, 0.004%; no homozygotes.

Submission:

Ambry Genetics
Classification: Uncertain significance. Last evaluated: 2024-01-06. Review status: criteria provided, single submitter. Criteria: Ambry Variant Classification Scheme 2023. Collection method: clinical testing. Allele origin: germline.
Comment: The p.S155C variant (also known as c.463A>T), located in coding exon 1 of the EGLN2 gene, results from an A to T substitution at nucleotide position 463. The serine at codon 155 is replaced by cysteine, an amino acid with dissimilar properties. This amino acid position is conserved. In addition, this alteration is predicted to be tolerated by in silico analysis. Since supporting evidence is limited at this time, the clinical significance of this alteration remains unclear.